The following is an entry in ClinVar:

ClinVar aggregate classification (germline): Uncertain significance. Review status: criteria provided, multiple submitters, no conflicts (2 of 4 stars). 2 submissions from 2 submitters: Uncertain significance (2). Last evaluated 2025-05-20.

Submissions (2):

GeneDx
Classification: Uncertain significance. Last evaluated: 2025-05-20. Review status: criteria provided, single submitter. Criteria: GeneDx Variant Classification Process June 2021. Collection method: clinical testing. Allele origin: germline. Affected: yes.
Comment: Not observed at significant frequency in large population cohorts (gnomAD); In silico analysis suggests that this missense variant does not alter protein structure/function; Has not been previously published as pathogenic or benign to our knowledge

Labcorp Genetics (formerly Invitae), Labcorp
Classification: Uncertain significance. Last evaluated: 2025-03-25. Review status: criteria provided, single submitter. Criteria: Invitae Variant Classification Sherloc (09022015). Collection method: clinical testing. Allele origin: germline.
Comment: This sequence change replaces isoleucine, which is neutral and non-polar, with threonine, which is neutral and polar, at codon 361 of the FASTKD2 protein (p.Ile361Thr). This variant is present in population databases (rs369401881, gnomAD 0.004%). This variant has not been reported in the literature in individuals affected with FASTKD2-related conditions. Invitae Evidence Modeling of protein sequence and biophysical properties (such as structural, functional, and spatial information, amino acid conservation, physicochemical variation, residue mobility, and thermodynamic stability) indicates that this missense variant is not expected to disrupt FASTKD2 protein function with a negative predictive value of 80%. In summary, the available evidence is currently insufficient to determine the role of this variant in disease. Therefore, it has been classified as a Variant of Uncertain Significance.

NM_001136193.2(FASTKD2):c.1082T>C (p.Ile361Thr)

Gene: FASTKD2 (FAST kinase domains 2; plus strand). Cytogenetic location: 2q33.3.
Variant type: single nucleotide variant.
Coding change: c.1082T>C on transcript NM_001136193.2 (MANE Select); coding-DNA position 1082, T replaced by C.
Protein change: p.Ile361Thr; replaces isoleucine 361 with threonine.
Molecular consequence: missense variant.
Genome position (GRCh38, 1-based): chr2:206,771,985, T>C. VCF-style: chr2-206771985-T-C. GRCh37 (hg19) VCF-style: chr2-207636709-T-C.
Other names: c.1082T>C, p.Ile361Thr (NM_001136194.2, NM_014929.4); short protein forms I361T.
Identifiers: ClinVar variation 4530984 (VCV004530984.2).